The following is an entry in ClinVar:

ClinVar aggregate classification (germline): Uncertain significance. Review status: criteria provided, single submitter (1 of 4 stars). 2 submissions from 2 submitters: Uncertain significance (1). 1 of the submissions does not count toward it. Last evaluated 2020-03-01.

Conditions:
Gray platelet syndrome (GPS). Also called: BLEEDING DISORDER, PLATELET-TYPE, 4. Identifiers: Orphanet 721, MedGen C0272302, MONDO:0007686, OMIM 139090.

Allele frequency attached by ClinVar (database versions not stated): gnomAD exomes below 0.00001; TOPMed below 0.00001; ExAC 0.00001.

Submissions (2):

NIHR Bioresource Rare Diseases, University of Cambridge
Classification: Uncertain significance for Gray platelet syndrome. Last evaluated: 2020-03-01. Review status: criteria provided, single submitter. Criteria: ACMG Guidelines, 2015. Collection method: research. Allele origin: unknown. Inheritance: Autosomal recessive inheritance. Affected: yes. Observed: 1 compound heterozygote.
Comment: ACMG criteria: PM2, PP3, PP4

ISTH-SSC Genomics in Thrombosis and Hemostasis, KU Leuven, Center for Molecular and Vascular Biology
Classification: Likely pathogenic for Gray platelet syndrome. Review status: no assertion criteria provided. Collection method: research. Allele origin: unknown. Affected: yes. Not counted in ClinVar's aggregate classification.
Comment: Submitted to GoldVariant by Dr Marie-Christine Morel-Kopp from Northern Blood Research Centre, Sydney, Australia

Literature cited by the submitters: PubMed 32693407 (cited by NIHR Bioresource Rare Diseases, University of Cambridge).

NM_015175.3(NBEAL2):c.5935C>T (p.Arg1979Trp)

Gene: NBEAL2 (neurobeachin like 2; plus strand). Cytogenetic location: 3p21.31.
Variant type: single nucleotide variant.
Coding change: c.5935C>T on transcript NM_015175.3 (MANE Select); coding-DNA position 5935, C replaced by T.
Protein change: p.Arg1979Trp; replaces arginine 1979 with tryptophan.
Molecular consequence: missense variant.
Genome position (GRCh38, 1-based): chr3:47,004,130, C>T. VCF-style: chr3-47004130-C-T. GRCh37 (hg19) VCF-style: chr3-47045620-C-T.
Other names: c.5833C>T, p.Arg1945Trp (NM_001365116.2); short protein forms R1945W, R1979W.
Identifiers: ClinVar variation 982285 (VCV000982285.2), dbSNP rs771025246, ClinGen allele CA2361718.
Genomic context (GRCh38, chr3:47,004,130, plus strand): 5'-CCCATAGGCATCGGCTATGATTTCCGGCGCCCACTGGCCCAGCTGCGTGAGGTCCACCTG[C>T]GGCGTTTCAACCTGCGCCGTTCAGCACTTGAGCTCTTCTTTATCGATCAGGCCAACTACT-3'
Protein context (NP_055990.1, residues 1969-1989): PLAQLREVHL[Arg1979Trp]RFNLRRSALE